The following is an entry in ClinVar:

ClinVar aggregate classification (germline): Uncertain significance. Review status: criteria provided, multiple submitters, no conflicts (2 of 4 stars). 2 submissions from 2 submitters: Uncertain significance (2). Last evaluated 2025-12-21.

Allele frequency attached by ClinVar (database versions not stated): gnomAD 0.00006 and 0.00010; TOPMed 0.00008; ESP Exome Variant Server 0.00015; gnomAD exomes 0.00017 and 0.00023; ExAC 0.00018.

Submissions (2):

Labcorp Genetics (formerly Invitae), Labcorp
Classification: Uncertain significance. Last evaluated: 2025-12-21. Review status: criteria provided, single submitter. Criteria: Invitae Variant Classification Sherloc (09022015). Collection method: clinical testing. Allele origin: germline.
Comment: This sequence change replaces arginine, which is basic and polar, with cysteine, which is neutral and slightly polar, at codon 156 of the TUBA8 protein (p.Arg156Cys). This variant is present in population databases (rs142925927, gnomAD 0.06%). This variant has not been reported in the literature in individuals affected with TUBA8-related conditions. ClinVar contains an entry for this variant (Variation ID: 594648). Invitae Evidence Modeling of protein sequence and biophysical properties (such as structural, functional, and spatial information, amino acid conservation, physicochemical variation, residue mobility, and thermodynamic stability) indicates that this missense variant is not expected to disrupt TUBA8 protein function with a negative predictive value of 80%. In summary, the available evidence is currently insufficient to determine the role of this variant in disease. Therefore, it has been classified as a Variant of Uncertain Significance.

Eurofins Ntd Llc (ga)
Classification: Uncertain significance. Last evaluated: 2017-11-06. Review status: criteria provided, single submitter. Criteria: EGL Classification Definitions 2015. Collection method: clinical testing. Allele origin: germline. Observed: 1 variant allele, 1 heterozygote.

NM_018943.3(TUBA8):c.466C>T (p.Arg156Cys)

Gene: TUBA8 (tubulin alpha 8; plus strand). Cytogenetic location: 22q11.21.
Variant type: single nucleotide variant.
Coding change: c.466C>T on transcript NM_018943.3 (MANE Select); coding-DNA position 466, C replaced by T.
Protein change: p.Arg156Cys; replaces arginine 156 with cysteine.
Molecular consequence: missense variant.
Genome position (GRCh38, 1-based): chr22:18,126,444, C>T. VCF-style: chr22-18126444-C-T. GRCh37 (hg19) VCF-style: chr22-18609211-C-T.
Other names: c.268C>T, p.Arg90Cys (NM_001193414.2); short protein forms R156C, R90C.
Identifiers: ClinVar variation 594648 (VCV000594648.10), dbSNP rs142925927, ClinGen allele CA10093687.